The following is an entry in ClinVar:

NM_002691.4(POLD1):c.1008G>A (p.Gln336=)

Gene: POLD1 (DNA polymerase delta 1, catalytic subunit; plus strand). Cytogenetic location: 19q13.33.
Variant type: single nucleotide variant.
Coding change: c.1008G>A on transcript NM_002691.4 (MANE Select); coding-DNA position 1008, G replaced by A.
Protein change: p.Gln336=; no amino-acid change (glutamine 336 retained).
Molecular consequence: synonymous variant. On other transcripts: non-coding transcript variant (1).
Genome position (GRCh38, 1-based): chr19:50,403,090, G>A. VCF-style: chr19-50403090-G-A. GRCh37 (hg19) VCF-style: chr19-50906347-G-A.
Other names: c.1008G>A, p.Gln336= (NM_001256849.1, NM_001308632.1).
Identifiers: ClinVar variation 1791564 (VCV001791564.5), dbSNP rs1060501825, ClinGen allele CA508182499.
Genomic context (GRCh38, chr19:50,403,090, plus strand): 5'-CCCTGCATCCTCCTGCCTCGCAGGCATCTTCCCTGAGCCTGAGCGGGACCCTGTCATCCA[G>A]ATCTGCTCGCTGGGCCTGCGCTGGGGGGAGCCGGAGCCCTTCCTACGCCTGGCGCTCACC-3'
Protein context (NP_002682.2, residues 326-346): FPEPERDPVI[Gln336=]ICSLGLRWGE

ClinVar aggregate classification (germline): Benign/Likely benign. Review status: criteria provided, multiple submitters, no conflicts (2 of 4 stars). 3 submissions from 3 submitters: Benign (1); Likely benign (2). Last evaluated 2025-02-05.

Conditions:
Hereditary cancer-predisposing syndrome. Also called: Tumor predisposition; Hereditary Cancer Syndrome; Hereditary neoplastic syndrome; Neoplastic Syndromes, Hereditary. Identifiers: Orphanet 140162, MedGen C0027672, MeSH D009386, MONDO:0015356.
POLD1-related polyposis and colorectal cancer syndrome (CRCS10). Also called: Colorectal cancer 10; COLORECTAL CANCER, SUSCEPTIBILITY TO, ON CHROMOSOME 19q; Colorectal cancer, susceptibility to, 10. Identifiers: Orphanet 220460, MedGen C2675481, MONDO:0012953, OMIM 612591.

Submissions (3):

Myriad Genetics, Inc.
Classification: Benign for POLD1-related polyposis and colorectal cancer syndrome. Last evaluated: 2025-02-05. Review status: criteria provided, single submitter. Criteria: Myriad Autosomal Dominant, Autosomal Recessive and X-Linked Classification Criteria (2023). Collection method: clinical testing. Allele origin: unknown.
Comment: This variant is considered benign. This variant is a silent/synonymous amino acid change and it is not expected to impact splicing.

Labcorp Genetics (formerly Invitae), Labcorp
Classification: Likely benign for POLD1-related polyposis and colorectal cancer syndrome. Last evaluated: 2024-09-01. Review status: criteria provided, single submitter. Criteria: Invitae Variant Classification Sherloc (09022015). Collection method: clinical testing. Allele origin: germline.

Ambry Genetics
Classification: Likely benign for Hereditary cancer-predisposing syndrome. Last evaluated: 2021-03-28. Review status: criteria provided, single submitter. Criteria: Ambry Variant Classification Scheme 2023. Collection method: clinical testing. Allele origin: germline.